The following is an entry in ClinVar:

NM_000059.4(BRCA2):c.5728A>G (p.Asn1910Asp)

Gene: BRCA2 (BRCA2 DNA repair associated; plus strand). Cytogenetic location: 13q13.1.
Variant type: single nucleotide variant.
Coding change: c.5728A>G on transcript NM_000059.4 (MANE Select); coding-DNA position 5728, A replaced by G.
Protein change: p.Asn1910Asp; replaces asparagine 1910 with aspartic acid.
Molecular consequence: missense variant.
Genome position (GRCh38, 1-based): chr13:32,340,083, A>G. VCF-style: chr13-32340083-A-G. GRCh37 (hg19) VCF-style: chr13-32914220-A-G.
Other names: short protein forms N1910D.
Identifiers: ClinVar variation 1004129 (VCV001004129.9), dbSNP rs2072537077, ClinGen allele CA387786893.
Genomic context (GRCh38, chr13:32,340,083, plus strand): 5'-ATGGCAGGTTGTTACGAGGCATTGGATGATTCAGAGGATATTCTTCATAACTCTCTAGAT[A>G]ATGATGAATGTAGCACGCATTCACATAAGGTTTTTGCTGACATTCAGAGTGAAGAAATTT-3'
Protein context (NP_000050.3, residues 1900-1920): SEDILHNSLD[Asn1910Asp]DECSTHSHKV

ClinVar aggregate classification (germline): Conflicting classifications of pathogenicity. Review status: criteria provided, conflicting classifications (1 of 4 stars). 3 submissions from 3 submitters: Uncertain significance (2); Likely benign (1). Last evaluated 2024-07-10.

Conditions:
BRCA2-related cancer predisposition. Identifiers: MedGen CN377758, MONDO:0700269.
Hereditary cancer-predisposing syndrome. Also called: Hereditary neoplastic syndrome; Neoplastic Syndromes, Hereditary; Tumor predisposition; Hereditary Cancer Syndrome. Identifiers: Orphanet 140162, MedGen C0027672, MeSH D009386, MONDO:0015356.
Hereditary breast ovarian cancer syndrome. Also called: Hereditary breast and/or ovarian cancer syndrome; Hereditary breast and ovarian cancer syndrome; Hereditary breast and ovarian cancer syndrome (HBOC); Breast and ovarian cancer; BRCA1- and BRCA2-Associated Hereditary Breast and Ovarian Cancer; Hereditary breast and ovarian cancer. Identifiers: Orphanet 145, MedGen C0677776, MeSH D061325, MONDO:0003582. Disease mechanism: loss of function.

Allele frequency attached by ClinVar (database versions not stated): gnomAD exomes below 0.00001.
gnomAD v4.1: 2 of 1,613,910 alleles (0.00012%); highest among the groups gnomAD compares: Non-Finnish European, 0.00017%; no homozygotes.

Submissions (3):

All of Us Research Program, National Institutes of Health
Classification: Uncertain significance for BRCA2-related cancer predisposition. Last evaluated: 2024-07-10. Review status: criteria provided, single submitter. Criteria: ACMG Guidelines, 2015. Collection method: clinical testing. Allele origin: germline. Inheritance: Autosomal dominant inheritance. Observed: 1 variant allele, 1 heterozygote.
Comment: This missense variant replaces asparagine with aspartic acid at codon 1910 of the BRCA2 protein. Computational prediction suggests that this variant may not impact protein structure and function. To our knowledge, functional studies have not been reported for this variant. This variant has not been reported in individuals affected with BRCA2-related disorders in the literature. This variant has not been identified in the general population by the Genome Aggregation Database (gnomAD). The available evidence is insufficient to determine the role of this variant in disease conclusively. Therefore, this variant is classified as a Variant of Uncertain Significance.

This study involves interpretation of variants in research participants for the purpose of population health screening. Participant phenotype was not available at the time of variant classification. Additional details can be found in publication PMID: 35346344, PMCID: PMC8962531

University of Washington Department of Laboratory Medicine, University of Washington
Classification: Likely benign for Hereditary cancer-predisposing syndrome. Last evaluated: 2023-03-23. Review status: criteria provided, single submitter. Criteria: Dines et al. (Genet Med. 2020). Collection method: curation. Allele origin: germline.
Comment: Missense variant in a coldspot region where missense variants are very unlikely to be pathogenic (PMID:31911673).

BRCA2 exon 11 coldspot. Reclassification based on statistical prior probability.

Labcorp Genetics (formerly Invitae), Labcorp
Classification: Uncertain significance for Hereditary breast ovarian cancer syndrome. Last evaluated: 2022-07-14. Review status: criteria provided, single submitter. Criteria: Invitae Variant Classification Sherloc (09022015). Collection method: clinical testing. Allele origin: germline.
Comment: In summary, the available evidence is currently insufficient to determine the role of this variant in disease. Therefore, it has been classified as a Variant of Uncertain Significance. Advanced modeling of protein sequence and biophysical properties (such as structural, functional, and spatial information, amino acid conservation, physicochemical variation, residue mobility, and thermodynamic stability) performed at Invitae indicates that this missense variant is not expected to disrupt BRCA2 protein function. ClinVar contains an entry for this variant (Variation ID: 1004129). This variant has not been reported in the literature in individuals affected with BRCA2-related conditions. This variant is not present in population databases (gnomAD no frequency). This sequence change replaces asparagine, which is neutral and polar, with aspartic acid, which is acidic and polar, at codon 1910 of the BRCA2 protein (p.Asn1910Asp).